The following is an entry in ClinVar:

NM_002878.4(RAD51D):c.405A>G (p.Val135=)

Genes: RAD51L3-RFFL (RAD51L3-RFFL readthrough; minus strand), RAD51D (RAD51 paralog D; minus strand). Cytogenetic location: 17q12.
Variant type: single nucleotide variant.
Coding change: c.405A>G on transcript NM_002878.4 (MANE Select); coding-DNA position 405, A replaced by G.
Protein change: p.Val135=; no amino-acid change (valine 135 retained).
Molecular consequence: synonymous variant. On other transcripts: non-coding transcript variant (1), intron variant (1).
Genome position (GRCh38, 1-based): chr17:35,107,063, T>C on the plus strand (A>G on the coding strand, the complement: RAD51D is on the minus strand). VCF-style: chr17-35107063-T-C. GRCh37 (hg19) VCF-style: chr17-33434082-T-C.
Other names: c.465A>G, p.Val155= (NM_001142571.2); c.145-582A>G (NM_133629.3).
Identifiers: ClinVar variation 507984 (VCV000507984.4), dbSNP rs1555568330, ClinGen allele CA499731719.

ClinVar aggregate classification (germline): Benign/Likely benign. Review status: criteria provided, multiple submitters, no conflicts (2 of 4 stars). 3 submissions from 3 submitters: Benign (1); Likely benign (2). Last evaluated 2025-02-21.

Conditions:
Hereditary cancer-predisposing syndrome. Also called: Hereditary neoplastic syndrome; Hereditary Cancer Syndrome; Neoplastic Syndromes, Hereditary; Tumor predisposition. Identifiers: Orphanet 140162, MedGen C0027672, MeSH D009386, MONDO:0015356.
Breast-ovarian cancer, familial, susceptibility to, 4. Identifiers: Orphanet 145, MedGen C3280345, MONDO:0013669, OMIM 614291.

Submissions (3):

Myriad Genetics, Inc.
Classification: Benign for Breast-ovarian cancer, familial, susceptibility to, 4. Last evaluated: 2025-02-21. Review status: criteria provided, single submitter. Criteria: Myriad Autosomal Dominant, Autosomal Recessive and X-Linked Classification Criteria (2023). Collection method: clinical testing. Allele origin: unknown.
Comment: This variant is considered benign. This variant is a silent/synonymous amino acid change and it is not expected to impact splicing.

Ambry Genetics
Classification: Likely benign for Hereditary cancer-predisposing syndrome. Last evaluated: 2022-05-19. Review status: criteria provided, single submitter. Criteria: Ambry Variant Classification Scheme 2023. Collection method: clinical testing. Allele origin: germline.

GeneDx
Classification: Likely benign. Last evaluated: 2017-03-15. Review status: criteria provided, single submitter. Criteria: GeneDx Variant Classification (06012015). Collection method: clinical testing. Allele origin: germline. Affected: yes.
Comment: This variant is considered likely benign or benign based on one or more of the following criteria: it is a conservative change, it occurs at a poorly conserved position in the protein, it is predicted to be benign by multiple in silico algorithms, and/or has population frequency not consistent with disease.